The following is an entry in ClinVar:

ClinVar aggregate classification (germline): Uncertain significance (1 of 4 stars; one submission).

Allele frequency attached by ClinVar (database versions not stated): gnomAD exomes below 0.00001 and 0.00001.
gnomAD v4.1: 3 of 1,591,668 alleles (0.00019%); highest among the groups gnomAD compares: Admixed American, 0.0034%; no homozygotes.

Submission:

Labcorp Genetics (formerly Invitae), Labcorp
Classification: Uncertain significance. Last evaluated: 2021-04-27. Review status: criteria provided, single submitter. Criteria: Invitae Variant Classification Sherloc (09022015). Collection method: clinical testing. Allele origin: germline.
Comment: In summary, the available evidence is currently insufficient to determine the role of this variant in disease. Therefore, it has been classified as a Variant of Uncertain Significance. Algorithms developed to predict the effect of missense changes on protein structure and function (SIFT, PolyPhen-2, Align-GVGD) all suggest that this variant is likely to be tolerated, but these predictions have not been confirmed by published functional studies and their clinical significance is uncertain. This variant has not been reported in the literature in individuals with FAM20A-related conditions. This variant is not present in population databases (ExAC no frequency). This sequence change replaces arginine with lysine at codon 227 of the FAM20A protein (p.Arg227Lys). The arginine residue is moderately conserved and there is a small physicochemical difference between arginine and lysine.

NM_017565.4(FAM20A):c.680G>A (p.Arg227Lys)

Gene: FAM20A (FAM20A golgi associated secretory pathway pseudokinase; minus strand). Cytogenetic location: 17q24.2.
Variant type: single nucleotide variant.
Coding change: c.680G>A on transcript NM_017565.4 (MANE Select); coding-DNA position 680, G replaced by A.
Protein change: p.Arg227Lys; replaces arginine 227 with lysine.
Molecular consequence: missense variant. On other transcripts: non-coding transcript variant (1).
Genome position (GRCh38, 1-based): chr17:68,551,912, C>T on the plus strand (G>A on the coding strand, the complement: FAM20A is on the minus strand). VCF-style: chr17-68551912-C-T. GRCh37 (hg19) VCF-style: chr17-66548053-C-T.
Other names: c.266G>A, p.Arg89Lys (NM_001243746.2); short protein forms R227K, R89K.
Identifiers: ClinVar variation 1349143 (VCV001349143.8), dbSNP rs1433086432, ClinGen allele CA400761452.
Genomic context (GRCh38, chr17:68,551,912, plus strand): 5'-AGGAGGAAGGCAGTCACTTACCTCATGGGTTTGAACATGGCCTTCCCGAAATCCGAGAAC[C>T]TCAGCACCAGCTTGAGGTGGACCCCACTGGGTTTCACAACTGTGAAAGGCAGAAGGGTGA-3'
Protein context (NP_060035.2, residues 217-237): PSGVHLKLVL[Arg227Lys]FSDFGKAMFK